The following is an entry in ClinVar:

NM_000297.4(PKD2):c.2178dup (p.Glu727fs)

Gene: PKD2 (polycystin 2, transient receptor potential cation channel; plus strand). Cytogenetic location: 4q22.1.
Variant type: Duplication.
Coding change: c.2178dup on transcript NM_000297.4 (MANE Select); coding-DNA position 2178, one base duplicated (A; older notation c.2178dupA).
Protein change: p.Glu727fs; shifts the reading frame from glutamic acid 727.
Molecular consequence: frameshift variant. On other transcripts: non-coding transcript variant (1).
Genome position (GRCh38, 1-based): chr4:88,065,433, A duplicated. VCF-style (leftmost placement, unchanged base first): chr4-88065432-C-CA. GRCh37 (hg19) VCF-style: chr4-88986584-C-CA.
Other names: short protein forms E727fs.
Identifiers: ClinVar variation 2431601 (VCV002431601.3), dbSNP rs2475979108, ClinGen allele CA2580071873.

ClinVar aggregate classification (germline): Pathogenic/Likely pathogenic. Review status: criteria provided, multiple submitters, no conflicts (2 of 4 stars). 2 submissions from 2 submitters: Pathogenic (1); Likely pathogenic (1). Last evaluated 2024-04-20.

Conditions:
Polycystic kidney disease 2 (PKD2). Also called: POLYCYSTIC KIDNEY DISEASE, ADULT, TYPE II; POLYCYSTIC KIDNEY DISEASE 2 WITH OR WITHOUT POLYCYSTIC LIVER DISEASE; Polycystic Kidney Disease 2, Autosomal Dominant. Identifiers: MedGen C2751306, MONDO:0013131, OMIM 613095.

Submissions (2):

Fulgent Genetics
Classification: Pathogenic for Polycystic kidney disease 2. Last evaluated: 2024-04-20. Review status: criteria provided, single submitter. Criteria: ACMG Guidelines, 2015. Collection method: clinical testing. Allele origin: germline.

Laboratorio de Genetica e Diagnostico Molecular, Hospital Israelita Albert Einstein
Classification: Likely pathogenic for Polycystic kidney disease 2. Last evaluated: 2022-08-26. Review status: criteria provided, single submitter. Criteria: ACMG Guidelines, 2015. Collection method: clinical testing. Allele origin: germline. Affected: yes.
Comment: ACMG classification criteria: PVS1 very strong, PM2 moderated